The following is an entry in ClinVar:

NM_001080466.2(BTBD17):c.1173G>C (p.Pro391=)

Gene: BTBD17 (BTB domain containing 17; minus strand). Cytogenetic location: 17q25.1.
Variant type: single nucleotide variant.
Coding change: c.1173G>C on transcript NM_001080466.2 (MANE Select); coding-DNA position 1173, G replaced by C.
Protein change: p.Pro391=; no amino-acid change (proline 391 retained).
Molecular consequence: synonymous variant.
Genome position (GRCh38, 1-based): chr17:74,356,921, C>G on the plus strand (G>C on the coding strand, the complement: BTBD17 is on the minus strand). VCF-style: chr17-74356921-C-G. GRCh37 (hg19) VCF-style: chr17-72353060-C-G.
Identifiers: ClinVar variation 2648200 (VCV002648200.24), dbSNP rs2054895345, ClinGen allele CA502029867.

ClinVar aggregate classification (germline): Likely benign (1 of 4 stars; one submission).

gnomAD v4.1: 2 of 1,415,260 alleles (0.00014%); highest among the groups gnomAD compares: Non-Finnish European, 0.00018%; no homozygotes.

Submission:

CeGaT Center for Human Genetics Tuebingen
Classification: Likely benign. Last evaluated: 2026-08-01. Review status: criteria provided, single submitter. Criteria: CeGaT Center For Human Genetics Tuebingen Variant Classification Criteria Version 2. Collection method: clinical testing. Allele origin: germline. Affected: yes. Observed: 6 variant alleles.
Comment: BTBD17: BP4, BP7